The following is an entry in ClinVar:

NM_001081.4(CUBN):c.2656G>A (p.Glu886Lys)

Gene: CUBN (cubilin; minus strand). Cytogenetic location: 10p13.
Variant type: single nucleotide variant.
Coding change: c.2656G>A on transcript NM_001081.4 (MANE Select); coding-DNA position 2656, G replaced by A.
Protein change: p.Glu886Lys; replaces glutamic acid 886 with lysine.
Molecular consequence: missense variant.
Genome position (GRCh38, 1-based): chr10:17,068,740, C>T on the plus strand (G>A on the coding strand, the complement: CUBN is on the minus strand). VCF-style: chr10-17068740-C-T. GRCh37 (hg19) VCF-style: chr10-17110739-C-T.
Other names: short protein forms E886K.
Identifiers: ClinVar variation 299500 (VCV000299500.33), dbSNP rs138545198, ClinGen allele CA5424906.

ClinVar aggregate classification (germline): Conflicting classifications of pathogenicity. Review status: criteria provided, conflicting classifications (1 of 4 stars). 6 submissions from 6 submitters: Uncertain significance (1); Likely benign (4). 1 of the submissions does not count toward it. Last evaluated 2025-12-16.

Conditions:
Inborn genetic diseases. Identifiers: MedGen C0950123, MeSH D030342.
CUBN-related disorder. Also called: CUBN-related condition.
Imerslund-Grasbeck syndrome type 1 (IGS1). Also called: MEGALOBLASTIC ANEMIA, 1; Imerslund-Gräsbeck syndrome 1; Megaloblastic anemia 1, Finnish type. Identifiers: MedGen C4016819, MONDO:0100156, OMIM 261100.
Imerslund-Grasbeck syndrome. Also called: Megaloblastic anemia due to inborn errors of metabolism; Imerslund-Gräsbeck syndrome; ENTEROCYTE COBALAMIN MALABSORPTION; ENTEROCYTE INTRINSIC FACTOR RECEPTOR, DEFECT OF; PERNICIOUS ANEMIA, JUVENILE, DUE TO SELECTIVE INTESTINAL MALABSORPTION OF VITAMIN B12, WITH PROTEINURIA. Identifiers: Orphanet 35858, MedGen C4551825, MONDO:0009853.

Allele frequency attached by ClinVar (database versions not stated): gnomAD exomes 0.00024 and 0.00057; 1000 Genomes Project 0.00040; 1000 Genomes Project 30x 0.00047; ExAC 0.00062; gnomAD 0.00229 and 0.00253; ESP Exome Variant Server 0.00238; TOPMed 0.00265.
gnomAD v4.1: 696 of 1,612,330 alleles (0.043%); highest among the groups gnomAD compares: African/African-American, 0.82%; no homozygotes.

Submissions (6):

Labcorp Genetics (formerly Invitae), Labcorp
Classification: Likely benign for Imerslund-Grasbeck syndrome. Last evaluated: 2025-12-16. Review status: criteria provided, single submitter. Criteria: Invitae Variant Classification Sherloc (09022015). Collection method: clinical testing. Allele origin: germline.

CeGaT Center for Human Genetics Tuebingen
Classification: Likely benign. Last evaluated: 2025-10-01. Review status: criteria provided, single submitter. Criteria: CeGaT Center For Human Genetics Tuebingen Variant Classification Criteria Version 2. Collection method: clinical testing. Allele origin: germline. Affected: yes. Observed: 2 variant alleles.
Comment: CUBN: BP4

Ambry Genetics
Classification: Uncertain significance for Inborn genetic diseases. Last evaluated: 2021-07-16. Review status: criteria provided, single submitter. Criteria: Ambry Variant Classification Scheme 2023. Collection method: clinical testing. Allele origin: germline.

Illumina Laboratory Services, Illumina
Classification: Likely benign for Imerslund-Grasbeck syndrome type 1. Last evaluated: 2018-01-12. Review status: criteria provided, single submitter. Criteria: ICSL Variant Classification Criteria 13 December 2019. Collection method: clinical testing. Allele origin: germline.
Comment: This variant was observed in the ICSL laboratory as part of a predisposition screen in an ostensibly healthy population. It had not been previously curated by ICSL or reported in the Human Gene Mutation Database (HGMD: prior to June 1st, 2018), and was therefore a candidate for classification through an automated scoring system. Utilizing variant allele frequency, disease prevalence and penetrance estimates, and inheritance mode, an automated score was calculated to assess if this variant is too frequent to cause the disease. Based on the score and internal cut-off values, a variant classified as likely benign is not then subjected to further curation. The score for this variant resulted in a classification of likely benign for this disease.

Breakthrough Genomics
Classification: Likely benign. Review status: criteria provided, single submitter. Criteria: ACMG Guidelines, 2015. Collection method: not provided. Allele origin: germline. Inheritance: Autosomal recessive inheritance. Affected: yes.

PreventionGenetics, part of Exact Sciences
Classification: Benign for CUBN-related condition. Last evaluated: 2019-08-26. Review status: no assertion criteria provided. Collection method: clinical testing. Allele origin: germline. Not counted in ClinVar's aggregate classification.
Comment: This variant is classified as benign based on ACMG/AMP sequence variant interpretation guidelines (Richards et al. 2015 PMID: 25741868, with internal and published modifications).